The following is an entry in ClinVar:

ClinVar aggregate classification (germline): Benign. Review status: criteria provided, single submitter (1 of 4 stars). 2 submissions from 2 submitters: Benign (1). 1 of the submissions does not count toward it. Last evaluated 2025-09-13.

Conditions:
TNFAIP3-related disorder. Also called: TNFAIP3-related condition.

Allele frequency attached by ClinVar (database versions not stated): gnomAD 0.00001; TOPMed 0.00001; 1000 Genomes Project 30x 0.00016; 1000 Genomes Project 0.00020.
gnomAD v4.1: 93 of 1,614,180 alleles (0.0058%); highest among the groups gnomAD compares: South Asian, 0.093%; 1 homozygote.

Submissions (2):

Labcorp Genetics (formerly Invitae), Labcorp
Classification: Benign. Last evaluated: 2025-09-13. Review status: criteria provided, single submitter. Criteria: Invitae Variant Classification Sherloc (09022015). Collection method: clinical testing. Allele origin: germline.

PreventionGenetics, part of Exact Sciences
Classification: Likely benign for TNFAIP3-related condition. Last evaluated: 2019-06-05. Review status: no assertion criteria provided. Collection method: clinical testing. Allele origin: germline. Not counted in ClinVar's aggregate classification.
Comment: This variant is classified as likely benign based on ACMG/AMP sequence variant interpretation guidelines (Richards et al. 2015 PMID: 25741868, with internal and published modifications).

NM_001270508.2(TNFAIP3):c.759C>T (p.Asp253=)

Genes: TNFAIP3 (TNF alpha induced protein 3; plus strand), LOC126859807 (MED14-independent group 3 enhancer GRCh37_chr6:138196296-138197495; plus strand). Cytogenetic location: 6q23.3.
Variant type: single nucleotide variant.
Coding change: c.759C>T on transcript NM_001270508.2 (MANE Select); coding-DNA position 759, C replaced by T.
Protein change: p.Asp253=; no amino-acid change (aspartic acid 253 retained).
Molecular consequence: synonymous variant.
Genome position (GRCh38, 1-based): chr6:137,876,120, C>T. VCF-style: chr6-137876120-C-T. GRCh37 (hg19) VCF-style: chr6-138197257-C-T.
Other names: c.759C>T (NM_006290.3); c.759C>T, p.Asp253= (NM_001270507.2, NM_006290.4).
Identifiers: ClinVar variation 1636435 (VCV001636435.10), dbSNP rs565804696, ClinGen allele CA4019496.